The following is an entry in ClinVar:

NM_000038.6(APC):c.3329C>T (p.Ser1110Leu)

Gene: APC (APC regulator of Wnt signaling pathway; plus strand). Cytogenetic location: 5q22.2.
Variant type: single nucleotide variant.
Coding change: c.3329C>T on transcript NM_000038.6 (MANE Select); coding-DNA position 3329, C replaced by T.
Protein change: p.Ser1110Leu; replaces serine 1110 with leucine.
Molecular consequence: missense variant.
Genome position (GRCh38, 1-based): chr5:112,838,923, C>T. VCF-style: chr5-112838923-C-T. GRCh37 (hg19) VCF-style: chr5-112174620-C-T.
Other names: c.3329C>T, p.Ser1110Leu (NM_001127510.3, NM_001354895.2); c.3275C>T, p.Ser1092Leu (NM_001127511.3); c.3383C>T, p.Ser1128Leu (NM_001354896.2); c.3359C>T, p.Ser1120Leu (NM_001354897.2); c.3254C>T, p.Ser1085Leu (NM_001354898.2); c.3245C>T, p.Ser1082Leu (NM_001354899.2); c.3206C>T, p.Ser1069Leu (NM_001354900.2); c.3152C>T, p.Ser1051Leu (NM_001354901.2); and 5 more; short protein forms S1085L, S1110L, S1120L, S827L, S950L, S984L, S1019L, S1128L.
Identifiers: ClinVar variation 652342 (VCV000652342.14), dbSNP rs1580634079, ClinGen allele CA16028634.

ClinVar aggregate classification (germline): Uncertain significance. Review status: criteria provided, multiple submitters, no conflicts (2 of 4 stars). 4 submissions from 4 submitters: Uncertain significance (4). Last evaluated 2024-11-14.

Conditions:
Hereditary cancer-predisposing syndrome. Also called: Neoplastic Syndromes, Hereditary; Tumor predisposition; Hereditary Cancer Syndrome; Hereditary neoplastic syndrome. Identifiers: Orphanet 140162, MedGen C0027672, MeSH D009386, MONDO:0015356.
Familial adenomatous polyposis 1 (FAP1). Also called: POLYPOSIS, ADENOMATOUS INTESTINAL; FAMILIAL ADENOMATOUS POLYPOSIS 1, ATTENUATED. Identifiers: MedGen C2713442, MONDO:0021056, OMIM 175100. Disease mechanism: loss of function.

Submissions (4):

Color Diagnostics, LLC DBA Color Health
Classification: Uncertain significance for Hereditary cancer-predisposing syndrome. Last evaluated: 2024-11-14. Review status: criteria provided, single submitter. Criteria: ACMG Guidelines, 2015. Collection method: clinical testing. Allele origin: germline.
Comment: This missense variant replaces serine with leucine at codon 1110 of the APC protein. Computational prediction suggests that this variant may not impact protein structure and function (internally defined REVEL score threshold <= 0.5, PMID: 27666373). To our knowledge, functional studies have not been reported for this variant. This variant has not been reported in individuals affected with APC-related disorders in the literature. This variant has not been identified in the general population by the Genome Aggregation Database (gnomAD). The available evidence is insufficient to determine the role of this variant in disease conclusively. Therefore, this variant is classified as a Variant of Uncertain Significance.

Molecular Pathology, Peter Maccallum Cancer Centre
Classification: Uncertain significance for Familial adenomatous polyposis 1. Last evaluated: 2024-07-02. Review status: criteria provided, single submitter. Criteria: ACMG Guidelines, 2015. Collection method: clinical testing. Allele origin: germline. Inheritance: Autosomal dominant inheritance.

Labcorp Genetics (formerly Invitae), Labcorp
Classification: Uncertain significance for Familial adenomatous polyposis 1. Last evaluated: 2023-01-16. Review status: criteria provided, single submitter. Criteria: Invitae Variant Classification Sherloc (09022015). Collection method: clinical testing. Allele origin: germline.
Comment: In summary, the available evidence is currently insufficient to determine the role of this variant in disease. Therefore, it has been classified as a Variant of Uncertain Significance. Advanced modeling of protein sequence and biophysical properties (such as structural, functional, and spatial information, amino acid conservation, physicochemical variation, residue mobility, and thermodynamic stability) performed at Invitae indicates that this missense variant is not expected to disrupt APC protein function. ClinVar contains an entry for this variant (Variation ID: 652342). This variant has not been reported in the literature in individuals affected with APC-related conditions. This variant is not present in population databases (gnomAD no frequency). This sequence change replaces serine, which is neutral and polar, with leucine, which is neutral and non-polar, at codon 1110 of the APC protein (p.Ser1110Leu).

Ambry Genetics
Classification: Uncertain significance for Hereditary cancer-predisposing syndrome. Last evaluated: 2017-09-22. Review status: criteria provided, single submitter. Criteria: Ambry Variant Classification Scheme 2023. Collection method: clinical testing. Allele origin: germline.
Comment: The p.S1110L variant (also known as c.3329C>T), located in coding exon 15 of the APC gene, results from a C to T substitution at nucleotide position 3329. The serine at codon 1110 is replaced by leucine, an amino acid with dissimilar properties. This amino acid position is well conserved in available vertebrate species. In addition, in silico predictors for this gene do not accurately predict pathogenicity. Since supporting evidence is limited at this time, the clinical significance of this alteration remains unclear.